The following is an entry in ClinVar:

NM_000202.8(IDS):c.263G>T (p.Arg88Leu)

Gene: IDS (iduronate 2-sulfatase; minus strand). Cytogenetic location: Xq28.
Variant type: single nucleotide variant.
Coding change: c.263G>T on transcript NM_000202.8 (MANE Select); coding-DNA position 263, G replaced by T.
Protein change: p.Arg88Leu; replaces arginine 88 with leucine.
Molecular consequence: missense variant. On other transcripts: non-coding transcript variant (1), intron variant (1).
Genome position (GRCh38, 1-based): chrX:149,503,467, C>A on the plus strand (G>T on the coding strand, the complement: IDS is on the minus strand). VCF-style: chrX-149503467-C-A. GRCh37 (hg19) VCF-style: chrX-148584997-C-A.
Other names: c.263G>T, p.Arg88Leu (NM_006123.5); c.15-22G>T (NM_001166550.4); short protein forms R88L.
Identifiers: ClinVar variation 3255643 (VCV003255643.2).

ClinVar aggregate classification (germline): Pathogenic (1 of 4 stars; one submission).

Conditions:
Mucopolysaccharidosis, MPS-II (MPS2). Also called: Hunter Syndrome; IDURONATE 2-SULFATASE DEFICIENCY; Mucopolysaccharidosis Type II; Mucopolysaccharidosis type 2; Attenuated MPS (subtype; formerly known as mild MPS II); Severe MPS II. Identifiers: Orphanet 580, Orphanet 79388, MedGen C0026705, MONDO:0010674, OMIM 309900.

Submission:

Laboratory of Diagnosis and Therapy of Lysosomal Disorders, University of Padova
Classification: Pathogenic for Mucopolysaccharidosis, MPS-II. Last evaluated: 2024-06-07. Review status: criteria provided, single submitter. Criteria: ACMG Guidelines, 2015. Collection method: literature only. Allele origin: germline. Affected: yes. Observed: 2 variant alleles.
Comment: Located in a mutational hot spot and/or critical functional domain (PM1_Moderate), Absent from controls (or at low frequency) in gnomAD database (PM2_Moderate), Missense variant in a gene with a low rate of benign missense variation (PP2_Supporting), Multiple lines of computational evidence support a deleterious effect (PP3_Supporting), Patient’s phenotype or family history highly specific for the disease (PP4_Strong)

Classification method: ACMG Guidelines [PMID:25741868] with modifications

Literature cited by the submitters: PubMed 9921913; PubMed 33676511.